The following is an entry in ClinVar:

NM_001379500.1(COL18A1):c.2907_2966del (p.Gln973_Pro992del)

Genes: COL18A1 (collagen type XVIII alpha 1 chain; plus strand), SLC19A1 (solute carrier family 19 member 1; minus strand). Cytogenetic location: 21q22.3.
Variant type: Deletion.
Coding change: c.2907_2966del on transcript NM_001379500.1 (MANE Select); coding-DNA positions 2907 to 2966, 60 bases deleted.
Protein change: p.Gln973_Pro992del.
Molecular consequence: inframe deletion.
Genome position (GRCh38, 1-based): chr21:45,505,172-45,505,231, 60 bases deleted. GRCh37 (hg19): chr21:46,925,086-46,925,145.
Other names: NM_130445.4:c.2898_2957del; c.3438_3497del, p.Gln1150_Pro1169del (NM_030582.4); c.4143_4202del, p.Gln1385_Pro1404del (NM_130444.3).
Identifiers: ClinVar variation 1357944 (VCV001357944.7), dbSNP rs1568942049, ClinGen allele CA10067544.

ClinVar aggregate classification (germline): Uncertain significance (1 of 4 stars; one submission).

Conditions:
Knobloch syndrome 1 (KNO1). Identifiers: MedGen C4551775, MONDO:0800167, OMIM 267750.

Submission:

Labcorp Genetics (formerly Invitae), Labcorp
Classification: Uncertain significance. Last evaluated: 2023-10-03. Review status: criteria provided, single submitter. Criteria: Invitae Variant Classification Sherloc (09022015). Collection method: clinical testing. Allele origin: germline.
Comment: This variant, c.2898_2957del, results in the deletion of 20 amino acid(s) of the COL18A1 protein (p.Gln970_Pro989del), but otherwise preserves the integrity of the reading frame. This variant is present in population databases (no rsID available, gnomAD 0.02%). This variant has not been reported in the literature in individuals affected with COL18A1-related conditions. ClinVar contains an entry for this variant (Variation ID: 1357944). Experimental studies and prediction algorithms are not available or were not evaluated, and the functional significance of this variant is currently unknown. In summary, the available evidence is currently insufficient to determine the role of this variant in disease. Therefore, it has been classified as a Variant of Uncertain Significance.